The following is an entry in ClinVar:

NM_000038.6(APC):c.3992G>A (p.Arg1331Lys)

Gene: APC (APC regulator of Wnt signaling pathway; plus strand). Cytogenetic location: 5q22.2.
Variant type: single nucleotide variant.
Coding change: c.3992G>A on transcript NM_000038.6 (MANE Select); coding-DNA position 3992, G replaced by A.
Protein change: p.Arg1331Lys; replaces arginine 1331 with lysine.
Molecular consequence: missense variant.
Genome position (GRCh38, 1-based): chr5:112,839,586, G>A. VCF-style: chr5-112839586-G-A. GRCh37 (hg19) VCF-style: chr5-112175283-G-A.
Other names: c.3992G>A, p.Arg1331Lys (NM_001127510.3, NM_001354895.2, NM_001407450.1); c.3938G>A, p.Arg1313Lys (NM_001127511.3); c.4046G>A, p.Arg1349Lys (NM_001354896.2, NM_001407447.1, NM_001407448.1 and 1 more transcripts); c.4022G>A, p.Arg1341Lys (NM_001354897.2); c.3917G>A, p.Arg1306Lys (NM_001354898.2); c.3908G>A, p.Arg1303Lys (NM_001354899.2); c.3869G>A, p.Arg1290Lys (NM_001354900.2); c.3815G>A, p.Arg1272Lys (NM_001354901.2, NM_001407453.1); and 11 more; short protein forms R1048K, R1171K, R1202K, R1205K, R1230K, R1240K, R1248K, R1272K.
Identifiers: ClinVar variation 1719881 (VCV001719881.6), dbSNP rs2149903644, ClinGen allele CA16030084.

ClinVar aggregate classification (germline): Uncertain significance (1 of 4 stars; one submission).

Conditions:
Familial adenomatous polyposis 1 (FAP1). Also called: FAMILIAL ADENOMATOUS POLYPOSIS 1, ATTENUATED; POLYPOSIS, ADENOMATOUS INTESTINAL. Identifiers: MedGen C2713442, MONDO:0021056, OMIM 175100. Disease mechanism: loss of function.

Submission:

Labcorp Genetics (formerly Invitae), Labcorp
Classification: Uncertain significance for Familial adenomatous polyposis 1. Last evaluated: 2022-07-20. Review status: criteria provided, single submitter. Criteria: Invitae Variant Classification Sherloc (09022015). Collection method: clinical testing. Allele origin: germline.
Comment: In summary, the available evidence is currently insufficient to determine the role of this variant in disease. Therefore, it has been classified as a Variant of Uncertain Significance. Algorithms developed to predict the effect of missense changes on protein structure and function are either unavailable or do not agree on the potential impact of this missense change (SIFT: "Tolerated"; PolyPhen-2: "Probably Damaging"; Align-GVGD: "Class C0"). This variant has not been reported in the literature in individuals affected with APC-related conditions. This variant is not present in population databases (gnomAD no frequency). This sequence change replaces arginine, which is basic and polar, with lysine, which is basic and polar, at codon 1331 of the APC protein (p.Arg1331Lys).